The following is an entry in ClinVar:

ClinVar aggregate classification (germline): Uncertain significance (1 of 4 stars; one submission).

Conditions:
Hypertrophic cardiomyopathy 25 (CMH25). Also called: CARDIOMYOPATHY, FAMILIAL HYPERTROPHIC, 25. Identifiers: MedGen C4225408, MONDO:0011843, OMIM 607487.
Primary familial hypertrophic cardiomyopathy (HCM). Identifiers: Orphanet 99739, MedGen C0949658, MeSH D024741, MONDO:0024573. Inheritance: Various modes of inheritance.

Submission:

Labcorp Genetics (formerly Invitae), Labcorp
Classification: Uncertain significance for Hypertrophic cardiomyopathy 25; Primary familial hypertrophic cardiomyopathy. Last evaluated: 2022-08-23. Review status: criteria provided, single submitter. Criteria: Invitae Variant Classification Sherloc (09022015). Collection method: clinical testing. Allele origin: germline.
Comment: This sequence change replaces serine, which is neutral and polar, with threonine, which is neutral and polar, at codon 161 of the TCAP protein (p.Ser161Thr). This variant is not present in population databases (gnomAD no frequency). This variant has not been reported in the literature in individuals affected with TCAP-related conditions. ClinVar contains an entry for this variant (Variation ID: 568678). Algorithms developed to predict the effect of missense changes on protein structure and function (SIFT, PolyPhen-2, Align-GVGD) all suggest that this variant is likely to be disruptive. In summary, the available evidence is currently insufficient to determine the role of this variant in disease. Therefore, it has been classified as a Variant of Uncertain Significance.

NM_003673.4(TCAP):c.481T>A (p.Ser161Thr)

Gene: TCAP (titin-cap; plus strand). Cytogenetic location: 17q12.
Variant type: single nucleotide variant.
Coding change: c.481T>A on transcript NM_003673.4 (MANE Select); coding-DNA position 481, T replaced by A.
Protein change: p.Ser161Thr; replaces serine 161 with threonine.
Molecular consequence: missense variant.
Genome position (GRCh38, 1-based): chr17:39,666,086, T>A. VCF-style: chr17-39666086-T-A. GRCh37 (hg19) VCF-style: chr17-37822339-T-A.
Other names: short protein forms S161T.
Identifiers: ClinVar variation 568678 (VCV000568678.11), dbSNP rs1567865417, ClinGen allele CA399306073.